The following is an entry in ClinVar:

NM_002471.4(MYH6):c.1072A>G (p.Met358Val)

Gene: MYH6 (myosin heavy chain 6; minus strand). Cytogenetic location: 14q11.2.
Variant type: single nucleotide variant.
Coding change: c.1072A>G on transcript NM_002471.4 (MANE Select); coding-DNA position 1072, A replaced by G.
Protein change: p.Met358Val; replaces methionine 358 with valine.
Molecular consequence: missense variant.
Genome position (GRCh38, 1-based): chr14:23,402,533, T>C on the plus strand (A>G on the coding strand, the complement: MYH6 is on the minus strand). VCF-style: chr14-23402533-T-C. GRCh37 (hg19) VCF-style: chr14-23871742-T-C.
Other names: short protein forms M358V.
Identifiers: ClinVar variation 839330 (VCV000839330.10), dbSNP rs781278134, ClinGen allele CA7115909.

ClinVar aggregate classification (germline): Uncertain significance. Review status: criteria provided, multiple submitters, no conflicts (2 of 4 stars). 2 submissions from 2 submitters: Uncertain significance (2). Last evaluated 2025-08-18.

Conditions:
Cardiovascular phenotype. Identifiers: MedGen CN230736.
Hypertrophic cardiomyopathy 14. Identifiers: MedGen C2750467, MONDO:0013197, OMIM 613251.

Allele frequency attached by ClinVar (database versions not stated): gnomAD exomes 0.00001 and below 0.00001; gnomAD 0.00001; ExAC 0.00002.

Submissions (2):

Labcorp Genetics (formerly Invitae), Labcorp
Classification: Uncertain significance for Hypertrophic cardiomyopathy 14. Last evaluated: 2025-08-18. Review status: criteria provided, single submitter. Criteria: Invitae Variant Classification Sherloc (09022015). Collection method: clinical testing. Allele origin: germline.
Comment: This sequence change replaces methionine, which is neutral and non-polar, with valine, which is neutral and non-polar, at codon 358 of the MYH6 protein (p.Met358Val). This variant is present in population databases (rs781278134, gnomAD 0.003%). This variant has not been reported in the literature in individuals affected with MYH6-related conditions. ClinVar contains an entry for this variant (Variation ID: 839330). Invitae Evidence Modeling of protein sequence and biophysical properties (such as structural, functional, and spatial information, amino acid conservation, physicochemical variation, residue mobility, and thermodynamic stability) indicates that this missense variant is expected to disrupt MYH6 protein function with a positive predictive value of 80%. In summary, the available evidence is currently insufficient to determine the role of this variant in disease. Therefore, it has been classified as a Variant of Uncertain Significance.

Ambry Genetics
Classification: Uncertain significance for Cardiovascular phenotype. Last evaluated: 2024-12-09. Review status: criteria provided, single submitter. Criteria: Ambry Variant Classification Scheme 2023. Collection method: clinical testing. Allele origin: germline.
Comment: The p.M358V variant (also known as c.1072A>G), located in coding exon 10 of the MYH6 gene, results from an A to G substitution at nucleotide position 1072. The methionine at codon 358 is replaced by valine, an amino acid with highly similar properties. This amino acid position is conserved. In addition, the in silico prediction for this alteration is inconclusive. Based on the available evidence, the clinical significance of this variant remains unclear.